The following is an entry in ClinVar:

ClinVar aggregate classification (germline): Likely benign. Review status: criteria provided, multiple submitters, no conflicts (2 of 4 stars). 2 submissions from 2 submitters: Likely benign (2). Last evaluated 2025-03-01.

Allele frequency attached by ClinVar (database versions not stated): 1000 Genomes Project 30x 0.00016; 1000 Genomes Project 0.00020; ESP Exome Variant Server 0.00023; gnomAD 0.00025; gnomAD exomes 0.00033; ExAC 0.00069.
gnomAD v4.1: 516 of 1,602,620 alleles (0.032%); highest among the groups gnomAD compares: Admixed American, 0.06%; no homozygotes.

Submissions (2):

CeGaT Center for Human Genetics Tuebingen
Classification: Likely benign. Last evaluated: 2025-03-01. Review status: criteria provided, single submitter. Criteria: CeGaT Center For Human Genetics Tuebingen Variant Classification Criteria Version 2. Collection method: clinical testing. Allele origin: germline. Affected: yes. Observed: 3 variant alleles.
Comment: WDR81: BP4, BP7

Blueprint Genetics
Classification: Likely benign. Last evaluated: 2024-09-06. Review status: criteria provided, single submitter. Criteria: ACMG Guidelines, 2015. Collection method: clinical testing. Allele origin: germline.

NM_001163809.2(WDR81):c.5409C>T (p.Ala1803=)

Gene: WDR81 (WD repeat domain 81; plus strand). Cytogenetic location: 17p13.3.
Variant type: single nucleotide variant.
Coding change: c.5409C>T on transcript NM_001163809.2 (MANE Select); coding-DNA position 5409, C replaced by T.
Protein change: p.Ala1803=; no amino-acid change (alanine 1803 retained).
Molecular consequence: synonymous variant.
Genome position (GRCh38, 1-based): chr17:1,736,122, C>T. VCF-style: chr17-1736122-C-T. GRCh37 (hg19) VCF-style: chr17-1639416-C-T.
Other names: c.1800C>T, p.Ala600= (NM_001163673.2); c.1728C>T, p.Ala576= (NM_001163811.2); c.2256C>T, p.Ala752= (NM_152348.4).
Identifiers: ClinVar variation 2647208 (VCV002647208.25), dbSNP rs369810826, ClinGen allele CA8273865.